The following is an entry in ClinVar:

NM_000444.6(PHEX):c.1220T>G (p.Val407Gly)

Gene: PHEX (phosphate regulating endopeptidase X-linked; plus strand). Cytogenetic location: Xp22.11.
Variant type: single nucleotide variant.
Coding change: c.1220T>G on transcript NM_000444.6 (MANE Select); coding-DNA position 1220, T replaced by G.
Protein change: p.Val407Gly; replaces valine 407 with glycine.
Molecular consequence: missense variant.
Genome position (GRCh38, 1-based): chrX:22,114,504, T>G. VCF-style: chrX-22114504-T-G. GRCh37 (hg19) VCF-style: chrX-22132622-T-G.
Other names: c.1220T>G, p.Val407Gly (NM_001282754.2); short protein forms V407G.
Identifiers: ClinVar variation 1520023 (VCV001520023.8), dbSNP rs764695823, ClinGen allele CA412573397.

ClinVar aggregate classification (germline): Uncertain significance (1 of 4 stars; one submission).

Submission:

Labcorp Genetics (formerly Invitae), Labcorp
Classification: Uncertain significance. Last evaluated: 2024-04-25. Review status: criteria provided, single submitter. Criteria: Invitae Variant Classification Sherloc (09022015). Collection method: clinical testing. Allele origin: germline.
Comment: This sequence change replaces valine, which is neutral and non-polar, with glycine, which is neutral and non-polar, at codon 407 of the PHEX protein (p.Val407Gly). This variant is not present in population databases (gnomAD no frequency). This variant has not been reported in the literature in individuals affected with PHEX-related conditions. ClinVar contains an entry for this variant (Variation ID: 1520023). Advanced modeling of protein sequence and biophysical properties (such as structural, functional, and spatial information, amino acid conservation, physicochemical variation, residue mobility, and thermodynamic stability) performed at Invitae indicates that this missense variant is expected to disrupt PHEX protein function with a positive predictive value of 80%. In summary, the available evidence is currently insufficient to determine the role of this variant in disease. Therefore, it has been classified as a Variant of Uncertain Significance.